The following is an entry in ClinVar:

NM_007327.4(GRIN1):c.2414C>T (p.Pro805Leu)

Gene: GRIN1 (glutamate ionotropic receptor NMDA type subunit 1; plus strand). Cytogenetic location: 9q34.3.
Variant type: single nucleotide variant.
Coding change: c.2414C>T on transcript NM_007327.4 (MANE Select); coding-DNA position 2414, C replaced by T.
Protein change: p.Pro805Leu; replaces proline 805 with leucine.
Molecular consequence: missense variant.
Genome position (GRCh38, 1-based): chr9:137,163,639, C>T. VCF-style: chr9-137163639-C-T. GRCh37 (hg19) VCF-style: chr9-140058091-C-T.
Other names: c.2414C>T, p.Pro805Leu (NM_000832.7, NM_021569.4); c.2477C>T, p.Pro826Leu (NM_001185090.2, NM_001185091.2); short protein forms P805L, P826L.
Identifiers: ClinVar variation 658023 (VCV000658023.14), dbSNP rs1588735247, ClinGen allele CA375725799.

ClinVar aggregate classification (germline): Pathogenic. Review status: criteria provided, multiple submitters, no conflicts (2 of 4 stars). 3 submissions from 3 submitters: Pathogenic (3). Last evaluated 2023-07-28.

Conditions:
Neurodevelopmental disorder with or without hyperkinetic movements and seizures, autosomal dominant. Also called: Intellectual disability, autosomal dominant 8. Identifiers: MedGen C3280282, MONDO:0013655, OMIM 614254.

Submissions (3):

3billion
Classification: Pathogenic for Neurodevelopmental disorder with or without hyperkinetic movements and seizures, autosomal dominant. Last evaluated: 2023-07-28. Review status: criteria provided, single submitter. Criteria: ACMG Guidelines, 2015. Collection method: clinical testing. Allele origin: germline. Affected: yes.
Comment: The variant is not observed in the gnomAD v2.1.1 dataset. Predicted Consequence/Location: Missense changes are a common disease-causing mechanism. Same nucleotide change resulting in same amino acid change has been previously reported as pathogenic/likely pathogenic with strong evidence (ClinVar ID: VCV000658023 /PMID: 33333793). The variant has been previously reported as de novo in a similarly affected individual (PMID: 33333793). Therefore, this variant is classified as Pathogenic according to the recommendation of ACMG/AMP guideline.

GeneDx
Classification: Pathogenic. Last evaluated: 2022-08-15. Review status: criteria provided, single submitter. Criteria: GeneDx Variant Classification Process June 2021. Collection method: clinical testing. Allele origin: germline. Affected: yes.
Comment: In silico analysis supports that this missense variant has a deleterious effect on protein structure/function; Not observed at significant frequency in large population cohorts (gnomAD); Published functional studies demonstrate a damaging effect (Santos-Gomez et al., 2021); This variant is associated with the following publications: (PMID: 33333793, 34884460)

Labcorp Genetics (formerly Invitae), Labcorp
Classification: Pathogenic for Neurodevelopmental disorder with or without hyperkinetic movements and seizures, autosomal dominant. Last evaluated: 2022-07-18. Review status: criteria provided, single submitter. Criteria: Invitae Variant Classification Sherloc (09022015). Collection method: clinical testing. Allele origin: germline.
Comment: ClinVar contains an entry for this variant (Variation ID: 658023). For these reasons, this variant has been classified as Pathogenic. Advanced modeling of protein sequence and biophysical properties (such as structural, functional, and spatial information, amino acid conservation, physicochemical variation, residue mobility, and thermodynamic stability) performed at Invitae indicates that this missense variant is expected to disrupt GRIN1 protein function. This missense change has been observed in individual(s) with clinical features of epileptic encephalopathy with cerebellar atrophy (PMID: 33333793). In at least one individual the variant was observed to be de novo. This variant is not present in population databases (gnomAD no frequency). This sequence change replaces proline, which is neutral and non-polar, with leucine, which is neutral and non-polar, at codon 805 of the GRIN1 protein (p.Pro805Leu).

Literature cited by the submitters: PubMed 33333793 (cited by 3billion and Labcorp Genetics (formerly Invitae), Labcorp).